The following is an entry in ClinVar:

NM_001367624.2(ZNF469):c.8179G>A (p.Asp2727Asn)

Gene: ZNF469 (zinc finger protein 469; plus strand). Cytogenetic location: 16q24.2.
Variant type: single nucleotide variant.
Coding change: c.8179G>A on transcript NM_001367624.2 (MANE Select); coding-DNA position 8179, G replaced by A.
Protein change: p.Asp2727Asn; replaces aspartic acid 2727 with asparagine.
Molecular consequence: missense variant.
Genome position (GRCh38, 1-based): chr16:88,435,649, G>A. VCF-style: chr16-88435649-G-A. GRCh37 (hg19) VCF-style: chr16-88502057-G-A.
Other names: NM_001127464.1:c.8095G>A; short protein forms D2727N.
Identifiers: ClinVar variation 1379625 (VCV001379625.10), dbSNP rs1023194931, ClinGen allele CA286383727.

ClinVar aggregate classification (germline): Uncertain significance. Review status: criteria provided, multiple submitters, no conflicts (2 of 4 stars). 2 submissions from 2 submitters: Uncertain significance (2). Last evaluated 2024-10-21.

Conditions:
Cardiovascular phenotype. Identifiers: MedGen CN230736.

Allele frequency attached by ClinVar (database versions not stated): gnomAD exomes below 0.00001; gnomAD 0.00003 and 0.00004; TOPMed 0.00004.
gnomAD v4.1: 12 of 1,550,402 alleles (0.00077%); highest among the groups gnomAD compares: African/African-American, 0.015%; no homozygotes.

Submissions (2):

Labcorp Genetics (formerly Invitae), Labcorp
Classification: Uncertain significance. Last evaluated: 2024-10-21. Review status: criteria provided, single submitter. Criteria: Invitae Variant Classification Sherloc (09022015). Collection method: clinical testing. Allele origin: germline.
Comment: This sequence change replaces aspartic acid, which is acidic and polar, with asparagine, which is neutral and polar, at codon 2699 of the ZNF469 protein (p.Asp2699Asn). This variant is present in population databases (no rsID available, gnomAD 0.01%). This variant has not been reported in the literature in individuals affected with ZNF469-related conditions. ClinVar contains an entry for this variant (Variation ID: 1379625). An algorithm developed to predict the effect of missense changes on protein structure and function outputs the following: PolyPhen-2: "Possibly Damaging". The asparagine amino acid residue is found in multiple mammalian species, which suggests that this missense change does not adversely affect protein function. In summary, the available evidence is currently insufficient to determine the role of this variant in disease. Therefore, it has been classified as a Variant of Uncertain Significance.

Ambry Genetics
Classification: Uncertain significance for Cardiovascular phenotype. Last evaluated: 2022-07-25. Review status: criteria provided, single submitter. Criteria: Ambry Variant Classification Scheme 2023. Collection method: clinical testing. Allele origin: germline.
Comment: The p.D2699N variant (also known as c.8095G>A), located in coding exon 2 of the ZNF469 gene, results from a G to A substitution at nucleotide position 8095. The aspartic acid at codon 2699 is replaced by asparagine, an amino acid with highly similar properties. This amino acid position is conserved. In addition, this alteration is predicted to be tolerated by in silico analysis. Since supporting evidence is limited at this time, the clinical significance of this alteration remains unclear.